The following is an entry in ClinVar:

NM_000088.4(COL1A1):c.3370-1G>T

Gene: COL1A1 (collagen type I alpha 1 chain; minus strand). Cytogenetic location: 17q21.33.
Variant type: single nucleotide variant.
Coding change: c.3370-1G>T on transcript NM_000088.4 (MANE Select); the canonical splice acceptor site of the intron before coding-DNA position 3370, G replaced by T.
Molecular consequence: splice acceptor variant.
Genome position (GRCh38, 1-based): chr17:50,187,538, C>A on the plus strand (G>T on the coding strand, the complement: COL1A1 is on the minus strand). VCF-style: chr17-50187538-C-A. GRCh37 (hg19) VCF-style: chr17-48264899-C-A.
Identifiers: ClinVar variation 4057239 (VCV004057239.1).
Genomic context (GRCh38, chr17:50,187,538, plus strand): 5'-ACTTACTCGGGGACCAGCAGGACCAGAGGCTCCAGAGGGACCTTGTTCACCAGGAGAGCC[C>A]TGAAGGACAGATAAAAAAGGCAGTTCAGGCCCAGTGAGCGTCAAATGTAGCCTGAGGGCC-3'

ClinVar aggregate classification (germline): Likely pathogenic (1 of 4 stars; one submission).

Conditions:
Osteogenesis imperfecta type III (OI3). Also called: Progressively Deforming Osteogenesis Imperfecta; Osteogenesis imperfecta type 3; OI type 3; Osteogenesis imperfecta, progressively deforming with normal sclerae; OI type III. Identifiers: Orphanet 216812, Orphanet 666, MedGen C0268362, MONDO:0009804, OMIM 259420.

Submission:

Clinical Biomedical Laboratory, Shriners Hospital For Children - Canada
Classification: Likely pathogenic for Osteogenesis imperfecta type III. Last evaluated: 2025-05-23. Review status: criteria provided, single submitter. Criteria: ACMG Guidelines, 2015. Collection method: clinical testing. Allele origin: germline. Affected: yes.
Comment: This variant affects a consensus splice site in COL1A1. Variants affecting essential splice sites in COL1A1 are a typical cause of osteogenesis imperfecta. This variant is absent from the Genome Aggregation Database (v2.1.1), indicating it is rare. A variant affecting the same nucleotide (c.3370-1G>C) is reported as pathogenic by 1 submitter in ClinVar.